The following is an entry in ClinVar:

ClinVar aggregate classification (germline): Uncertain significance (1 of 4 stars; one submission).

Submission:

Dasa
Classification: Uncertain significance. Last evaluated: 2024-11-05. Review status: criteria provided, single submitter. Criteria: DASA Assertion Criteria. Collection method: clinical testing. Allele origin: germline.
Comment: NM_133433.4(NIPBL):c.1287_1304delinsGTTCTG (p.Pro430_Pro435delinsPheCys) is an in-frame insertion/deletion-insertion predicted to alter the protein sequence without shifting the reading frame. This variant is absent from population databases. The currently available literature and clinical evidence are not sufficient to establish a definitive association between this variant and the reported condition. Therefore, this variant is classified as a variant of uncertain significance.

NM_133433.4(NIPBL):c.1287_1304delinsGTTCTG (p.Pro430_Pro435delinsPheCys)

Gene: NIPBL (NIPBL cohesin loading factor; plus strand). Cytogenetic location: 5p13.2.
Variant type: Indel.
Coding change: c.1287_1304delinsGTTCTG on transcript NM_133433.4 (MANE Select); coding-DNA positions 1287 to 1304, TCCAGCAAATCAAGTGCC replaced by GTTCTG.
Protein change: p.Pro430_Pro435delinsPheCys.
Molecular consequence: inframe indel.
Genome position (GRCh38, 1-based): chr5:36,976,194-36,976,211, TCCAGCAAATCAAGTGCC replaced by GTTCTG. VCF-style: chr5-36976194-TCCAGCAAATCAAGTGCC-GTTCTG. GRCh37 (hg19) VCF-style: chr5-36976296-TCCAGCAAATCAAGTGCC-GTTCTG.
Other names: c.1287_1304delinsGTTCTG, p.Pro430_Pro435delinsPheCys (NM_001438586.1, NM_015384.5).
Identifiers: ClinVar variation 4884136 (VCV004884136.2).